The following is an entry in ClinVar:

NM_004329.3(BMPR1A):c.934C>G (p.His312Asp)

Gene: BMPR1A (bone morphogenetic protein receptor type 1A; plus strand). Cytogenetic location: 10q23.2.
Variant type: single nucleotide variant.
Coding change: c.934C>G on transcript NM_004329.3 (MANE Select); coding-DNA position 934, C replaced by G.
Protein change: p.His312Asp; replaces histidine 312 with aspartic acid.
Molecular consequence: missense variant. On other transcripts: non-coding transcript variant (3).
Genome position (GRCh38, 1-based): chr10:86,919,237, C>G. VCF-style: chr10-86919237-C-G. GRCh37 (hg19) VCF-style: chr10-88678994-C-G.
Other names: c.1009C>G, p.His337Asp (NM_001406559.1); c.982C>G, p.His328Asp (NM_001406560.1); c.934C>G, p.His312Asp (NM_001406561.1, NM_001406562.1, NM_001406572.1 and 19 more transcripts); c.928C>G, p.His310Asp (NM_001406583.1); c.850C>G, p.His284Asp (NM_001406584.1, NM_001406585.1, NM_001406586.1 and 2 more transcripts); c.592C>G, p.His198Asp (NM_001406589.1); short protein forms H198D, H284D, H310D, H337D, H312D, H328D.
Identifiers: ClinVar variation 2694473 (VCV002694473.3), dbSNP rs1437385150, ClinGen allele CA377460096.

ClinVar aggregate classification (germline): Uncertain significance (1 of 4 stars; one submission).

Conditions:
Juvenile polyposis syndrome (JPS). Identifiers: Orphanet 2929, MedGen C0345893, MONDO:0017380, OMIM 174900.

Submission:

Labcorp Genetics (formerly Invitae), Labcorp
Classification: Uncertain significance for Juvenile polyposis syndrome. Last evaluated: 2023-11-09. Review status: criteria provided, single submitter. Criteria: Invitae Variant Classification Sherloc (09022015). Collection method: clinical testing. Allele origin: germline.
Comment: This sequence change replaces histidine, which is basic and polar, with aspartic acid, which is acidic and polar, at codon 312 of the BMPR1A protein (p.His312Asp). This variant is not present in population databases (gnomAD no frequency). This variant has not been reported in the literature in individuals affected with BMPR1A-related conditions. Advanced modeling of protein sequence and biophysical properties (such as structural, functional, and spatial information, amino acid conservation, physicochemical variation, residue mobility, and thermodynamic stability) has been performed at Invitae for this missense variant, however the output from this modeling did not meet the statistical confidence thresholds required to predict the impact of this variant on BMPR1A protein function. In summary, the available evidence is currently insufficient to determine the role of this variant in disease. Therefore, it has been classified as a Variant of Uncertain Significance.